The following is an entry in ClinVar:

ClinVar aggregate classification (germline): Uncertain significance (1 of 4 stars; one submission).

gnomAD v4.1: 1 of 1,612,050 alleles (0.000062%); highest among the groups gnomAD compares: Non-Finnish European, 0.000085%; no homozygotes.

Submission:

Ambry Genetics
Classification: Uncertain significance. Last evaluated: 2024-12-14. Review status: criteria provided, single submitter. Criteria: Ambry Variant Classification Scheme 2023. Collection method: clinical testing. Allele origin: germline.
Comment: The p.H539P variant (also known as c.1616A>C), located in coding exon 17 of the SLMAP gene, results from an A to C substitution at nucleotide position 1616. The histidine at codon 539 is replaced by proline, an amino acid with similar properties. This amino acid position is conserved. In addition, this alteration is predicted to be tolerated by in silico analysis. Based on the available evidence, the clinical significance of this variant remains unclear.

NM_001377540.1(SLMAP):c.1718A>C (p.His573Pro)

Gene: SLMAP (sarcolemma associated protein; plus strand). Cytogenetic location: 3p14.3.
Variant type: single nucleotide variant.
Coding change: c.1718A>C on transcript NM_001377540.1 (MANE Select); coding-DNA position 1718, A replaced by C.
Protein change: p.His573Pro; replaces histidine 573 with proline.
Molecular consequence: missense variant. On other transcripts: non-coding transcript variant (1).
Genome position (GRCh38, 1-based): chr3:57,912,399, A>C. VCF-style: chr3-57912399-A-C. GRCh37 (hg19) VCF-style: chr3-57898126-A-C.
Other names: c.1667A>C, p.His556Pro (NM_001304420.3, NM_001377541.1, NM_001377542.1); c.1553A>C, p.His518Pro (NM_001304421.2, NM_001377557.1, NM_001377559.1); c.269A>C, p.His90Pro (NM_001304422.3, NM_001311178.2); c.71A>C, p.His24Pro (NM_001304423.3); c.146A>C, p.His49Pro (NM_001311179.2, NM_001377926.1, NM_001377927.1 and 1 more transcripts); c.1739A>C, p.His580Pro (NM_001377538.1); c.1718A>C, p.His573Pro (NM_001377539.1); c.1655A>C, p.His552Pro (NM_001377545.1); and 8 more; short protein forms H494P, H511P, H90P, H24P, H498P, H532P, H552P, H573P.
Identifiers: ClinVar variation 3798746 (VCV003798746.1).